The following is an entry in ClinVar:

NM_005609.4(PYGM):c.2312+16C>T

Gene: PYGM (glycogen phosphorylase, muscle associated; minus strand). Cytogenetic location: 11q13.1.
Variant type: single nucleotide variant.
Coding change: c.2312+16C>T on transcript NM_005609.4 (MANE Select); 16 bases into the intron after coding-DNA position 2312, C replaced by T.
Molecular consequence: intron variant.
Genome position (GRCh38, 1-based): chr11:64,747,208, G>A on the plus strand (C>T on the coding strand, the complement: PYGM is on the minus strand). VCF-style: chr11-64747208-G-A. GRCh37 (hg19) VCF-style: chr11-64514680-G-A.
Other names: c.2048+16C>T (NM_001164716.1).
Identifiers: ClinVar variation 511288 (VCV000511288.9), dbSNP rs184694130, ClinGen allele CA6079567.

ClinVar aggregate classification (germline): Likely benign. Review status: criteria provided, multiple submitters, no conflicts (2 of 4 stars). 2 submissions from 2 submitters: Likely benign (2). Last evaluated 2025-08-25.

Conditions:
Glycogen storage disease, type V (GSD5). Also called: McArdle type glycogen storage disease; MCARDLE DISEASE; MUSCLE GLYCOGEN PHOSPHORYLASE DEFICIENCY; MYOPHOSPHORYLASE DEFICIENCY; PYGM DEFICIENCY. Identifiers: Orphanet 368, MedGen C0017924, MONDO:0009293, OMIM 232600.

Allele frequency attached by ClinVar (database versions not stated): gnomAD 0.00002 and 0.00003; gnomAD exomes 0.00004; ExAC 0.00005; TOPMed 0.00005; 1000 Genomes Project 30x 0.00031; 1000 Genomes Project 0.00040.
gnomAD v4.1: 89 of 1,613,702 alleles (0.0055%); highest among the groups gnomAD compares: Middle Eastern, 0.017%; no homozygotes.

Submissions (2):

Labcorp Genetics (formerly Invitae), Labcorp
Classification: Likely benign for Glycogen storage disease, type V. Last evaluated: 2025-08-25. Review status: criteria provided, single submitter. Criteria: Invitae Variant Classification Sherloc (09022015). Collection method: clinical testing. Allele origin: germline.

GeneDx
Classification: Likely benign. Last evaluated: 2017-08-18. Review status: criteria provided, single submitter. Criteria: GeneDx Variant Classification (06012015). Collection method: clinical testing. Allele origin: germline. Affected: yes.
Comment: This variant is considered likely benign or benign based on one or more of the following criteria: it is a conservative change, it occurs at a poorly conserved position in the protein, it is predicted to be benign by multiple in silico algorithms, and/or has population frequency not consistent with disease.